The following is an entry in ClinVar:

NM_000844.4(GRM7):c.1053G>A (p.Thr351=)

Gene: GRM7 (glutamate metabotropic receptor 7; plus strand). Cytogenetic location: 3p26.1.
Variant type: single nucleotide variant.
Coding change: c.1053G>A on transcript NM_000844.4 (MANE Select); coding-DNA position 1053, G replaced by A.
Protein change: p.Thr351=; no amino-acid change (threonine 351 retained).
Molecular consequence: synonymous variant.
Genome position (GRCh38, 1-based): chr3:7,415,042, G>A. VCF-style: chr3-7415042-G-A. GRCh37 (hg19) VCF-style: chr3-7456729-G-A.
Other names: c.1053G>A, p.Thr351= (NM_181874.3); c.1053G>A (NM_000844.3).
Identifiers: ClinVar variation 1711560 (VCV001711560.33), dbSNP rs150722276, ClinGen allele CA2234785.

ClinVar aggregate classification (germline): Likely benign. Review status: criteria provided, multiple submitters, no conflicts (2 of 4 stars). 3 submissions from 3 submitters: Likely benign (2). 1 of the submissions does not count toward it. Last evaluated 2024-12-17.

Conditions:
GRM7-related disorder. Also called: GRM7-related condition.

Allele frequency attached by ClinVar (database versions not stated): ExAC 0.00005; gnomAD 0.00005; TOPMed 0.00005; ESP Exome Variant Server 0.00015.
gnomAD v4.1: 61 of 1,612,530 alleles (0.0038%); highest among the groups gnomAD compares: Middle Eastern, 0.033%; no homozygotes.

Submissions (3):

Labcorp Genetics (formerly Invitae), Labcorp
Classification: Likely benign. Last evaluated: 2024-12-17. Review status: criteria provided, single submitter. Criteria: Invitae Variant Classification Sherloc (09022015). Collection method: clinical testing. Allele origin: germline.

CeGaT Center for Human Genetics Tuebingen
Classification: Likely benign. Last evaluated: 2022-08-01. Review status: criteria provided, single submitter. Criteria: CeGaT Center For Human Genetics Tuebingen Variant Classification Criteria Version 2. Collection method: clinical testing. Allele origin: germline. Affected: yes. Observed: 1 variant allele.
Comment: GRM7: BP4, BP7

PreventionGenetics, part of Exact Sciences
Classification: Likely benign for GRM7-related condition. Last evaluated: 2019-08-06. Review status: no assertion criteria provided. Collection method: clinical testing. Allele origin: germline. Not counted in ClinVar's aggregate classification.
Comment: This variant is classified as likely benign based on ACMG/AMP sequence variant interpretation guidelines (Richards et al. 2015 PMID: 25741868, with internal and published modifications).